The following is an entry in ClinVar:

ClinVar aggregate classification (germline): Uncertain significance. Review status: criteria provided, multiple submitters, no conflicts (2 of 4 stars). 3 submissions from 3 submitters: Uncertain significance (3). Last evaluated 2026-05-29.

Conditions:
Ehlers-Danlos syndrome, classic type, 1 (EDSCL1). Also called: EHLERS-DANLOS SYNDROME, GRAVIS TYPE; EHLERS-DANLOS SYNDROME, SEVERE CLASSIC TYPE; Ehlers-Danlos syndrome, type 1; Ehlers-Danlos Syndrome, Classic Type, COL5A1-Related; EDS I. Identifiers: MedGen C0268335, MONDO:0019567, OMIM 130000.
Familial thoracic aortic aneurysm and aortic dissection (TAAD). Also called: Thoracic aortic aneurysms and dissections. Identifiers: Orphanet 91387, MedGen C4707243, MONDO:0019625.

Allele frequency attached by ClinVar (database versions not stated): gnomAD exomes below 0.00001.
gnomAD v4.1: 6 of 1,613,992 alleles (0.00037%); highest among the groups gnomAD compares: Non-Finnish European, 0.00051%; no homozygotes.

Submissions (3):

Women's Health and Genetics/Laboratory Corporation of America, LabCorp
Classification: Uncertain significance. Last evaluated: 2026-05-29. Review status: criteria provided, single submitter. Criteria: LabCorp Variant Classification Summary - May 2015. Collection method: clinical testing. Allele origin: germline.
Comment: Variant summary: COL5A2 c.3712G>A (p.Gly1238Arg) results in a non-conservative amino acid change in the encoded protein sequence. Algorithms developed to predict the effect of missense changes on protein structure and function all suggest that this variant is likely to be disruptive. The variant allele was found at a frequency of 8e-06 in 251056 control chromosomes (gnomAD). The available data on variant occurrences in the general population are insufficient to allow any conclusion about variant significance. To our knowledge, no occurrence of c.3712G>A in individuals affected with COL5A2-related conditions and no experimental evidence demonstrating its impact on protein function have been reported. ClinVar contains an entry for this variant (Variation ID: 2846211). Based on the evidence outlined above, the variant was classified as uncertain significance.

Labcorp Genetics (formerly Invitae), Labcorp
Classification: Uncertain significance for Ehlers-Danlos syndrome, classic type, 1. Last evaluated: 2025-05-15. Review status: criteria provided, single submitter. Criteria: Invitae Variant Classification Sherloc (09022015). Collection method: clinical testing. Allele origin: germline.
Comment: This sequence change replaces glycine, which is neutral and non-polar, with arginine, which is basic and polar, at codon 1238 of the COL5A2 protein (p.Gly1238Arg). This variant is present in population databases (no rsID available, gnomAD 0.002%). This variant has not been reported in the literature in individuals affected with COL5A2-related conditions. ClinVar contains an entry for this variant (Variation ID: 2846211). Invitae Evidence Modeling of protein sequence and biophysical properties (such as structural, functional, and spatial information, amino acid conservation, physicochemical variation, residue mobility, and thermodynamic stability) indicates that this missense variant is not expected to disrupt COL5A2 protein function with a negative predictive value of 80%. In summary, the available evidence is currently insufficient to determine the role of this variant in disease. Therefore, it has been classified as a Variant of Uncertain Significance.

Ambry Genetics
Classification: Uncertain significance for Familial thoracic aortic aneurysm and aortic dissection. Last evaluated: 2024-04-15. Review status: criteria provided, single submitter. Criteria: Ambry Variant Classification Scheme 2023. Collection method: clinical testing. Allele origin: germline.
Comment: The p.G1238R variant (also known as c.3712G>A), located in coding exon 51 of the COL5A2 gene, results from a G to A substitution at nucleotide position 3712. The glycine at codon 1238 is replaced by arginine, an amino acid with dissimilar properties. This amino acid position is well conserved in available vertebrate species. In addition, this alteration is predicted to be deleterious by in silico analysis. Based on the available evidence, the clinical significance of this variant remains unclear.

NM_000393.5(COL5A2):c.3712G>A (p.Gly1238Arg)

Gene: COL5A2 (collagen type V alpha 2 chain; minus strand). Cytogenetic location: 2q32.2.
Variant type: single nucleotide variant.
Coding change: c.3712G>A on transcript NM_000393.5 (MANE Select); coding-DNA position 3712, G replaced by A.
Protein change: p.Gly1238Arg; replaces glycine 1238 with arginine.
Molecular consequence: missense variant.
Genome position (GRCh38, 1-based): chr2:189,039,485, C>T on the plus strand (G>A on the coding strand, the complement: COL5A2 is on the minus strand). VCF-style: chr2-189039485-C-T. GRCh37 (hg19) VCF-style: chr2-189904211-C-T.
Other names: c.3712G>A (NM_000393.3); short protein forms G1238R.
Identifiers: ClinVar variation 2846211 (VCV002846211.6), dbSNP rs1261622137, ClinGen allele CA349857968.